The following is an entry in ClinVar:

ClinVar aggregate classification (germline): Conflicting classifications of pathogenicity. Review status: criteria provided, conflicting classifications (1 of 4 stars). 2 submissions from 2 submitters: Uncertain significance (1); Likely benign (1). Last evaluated 2025-07-01.

Conditions:
Charcot-Marie-tooth disease, axonal, type 2DD. Also called: CHARCOT-MARIE-TOOTH NEUROPATHY, TYPE 2DD. Identifiers: Orphanet 521414, MedGen C4747974, MONDO:0054833, OMIM 618036.
Hypomagnesemia, seizures, and impaired intellectual development 2. Also called: Hypomagnesemia, seizures, and intellectual disability 2. Identifiers: MedGen C5193023, MONDO:0020788, OMIM 618314.
Inborn genetic diseases. Identifiers: MedGen C0950123, MeSH D030342.

gnomAD v4.1: 25 of 1,613,982 alleles (0.0015%); highest among the groups gnomAD compares: Admixed American, 0.005%; no homozygotes.

Submissions (2):

Ambry Genetics
Classification: Likely benign for Inborn genetic diseases. Last evaluated: 2025-07-01. Review status: criteria provided, single submitter. Criteria: Ambry Variant Classification Scheme 2023. Collection method: clinical testing. Allele origin: germline.

Juno Genomics, Hangzhou Juno Genomics, Inc
Classification: Uncertain significance for Hypomagnesemia, seizures, and impaired intellectual development 2; Charcot-Marie-tooth disease, axonal, type 2DD. Review status: criteria provided, single submitter. Criteria: ACMG Guidelines, 2015. Collection method: clinical testing. Allele origin: germline.
Comment: Absent from controls (or at extremely low frequency if recessive) in Genome Aggregation Database.;Missense variant in a gene that has a low rate of benign missense variation.

NM_000701.8(ATP1A1):c.3032G>A (p.Arg1011Gln)

Genes: ATP1A1 (ATPase Na+/K+ transporting subunit alpha 1; plus strand), ATP1A1-AS1 (ATP1A1 antisense RNA 1; minus strand). Cytogenetic location: 1p13.1.
Variant type: single nucleotide variant.
Coding change: c.3032G>A on transcript NM_000701.8 (MANE Select); coding-DNA position 3032, G replaced by A.
Protein change: p.Arg1011Gln; replaces arginine 1011 with glutamine.
Molecular consequence: missense variant.
Genome position (GRCh38, 1-based): chr1:116,403,964, G>A. VCF-style: chr1-116403964-G-A. GRCh37 (hg19) VCF-style: chr1-116946586-G-A.
Other names: c.3032G>A, p.Arg1011Gln (NM_001160233.2); c.2939G>A, p.Arg980Gln (NM_001160234.2); short protein forms R1011Q, R980Q.
Identifiers: ClinVar variation 4174940 (VCV004174940.3).